The following is an entry in ClinVar:

ClinVar aggregate classification (germline): Conflicting classifications of pathogenicity. Review status: criteria provided, conflicting classifications (1 of 4 stars). 5 submissions from 5 submitters: Uncertain significance (1); Likely benign (3). 1 of the submissions does not count toward it. Last evaluated 2026-01-19.

Conditions:
Merosin deficient congenital muscular dystrophy (MDC1A). Also called: Congenital merosin-deficient muscular dystrophy 1A; Congenital Muscular Dystrophy Type 1A (MDC1A). Identifiers: Orphanet 258, MedGen C1263858, MONDO:0011925, OMIM 607855.
LAMA2-related muscular dystrophy (LAMA2-RD). Also called: Laminin alpha 2-related dystrophy. Identifiers: MedGen C5679788, MONDO:0100228.

Allele frequency attached by ClinVar (database versions not stated): ExAC 0.00001; gnomAD 0.00001 and 0.00002; TOPMed 0.00001; gnomAD exomes 0.00002.
gnomAD v4.1: 32 of 1,613,342 alleles (0.002%); highest among the groups gnomAD compares: Non-Finnish European, 0.0021%; no homozygotes.

Submissions (5):

Labcorp Genetics (formerly Invitae), Labcorp
Classification: Likely benign for LAMA2-related muscular dystrophy. Last evaluated: 2026-01-19. Review status: criteria provided, single submitter. Criteria: Invitae Variant Classification Sherloc (09022015). Collection method: clinical testing. Allele origin: germline.

Mayo Clinic Laboratories, Mayo Clinic
Classification: Likely benign. Last evaluated: 2025-06-10. Review status: criteria provided, single submitter. Criteria: ACMG Guidelines, 2015. Collection method: clinical testing. Allele origin: germline. Observed: 1 variant allele.
Comment: BP4, BP7

Blueprint Genetics
Classification: Likely benign. Last evaluated: 2024-08-29. Review status: criteria provided, single submitter. Criteria: ACMG Guidelines, 2015. Collection method: clinical testing. Allele origin: germline.

Eurofins Ntd Llc (ga)
Classification: Uncertain significance. Last evaluated: 2013-06-18. Review status: criteria provided, single submitter. Criteria: EGL Classification Definitions 2015. Collection method: clinical testing. Allele origin: germline. Observed: 1 variant allele, 1 heterozygote.

Counsyl
Classification: Likely benign for Merosin deficient congenital muscular dystrophy. Last evaluated: 2017-06-09. Review status: no assertion criteria provided. Collection method: clinical testing. Allele origin: unknown. Not counted in ClinVar's aggregate classification.

NM_000426.4(LAMA2):c.6786G>A (p.Ser2262=)

Gene: LAMA2 (laminin subunit alpha 2; plus strand). Cytogenetic location: 6q22.33.
Variant type: single nucleotide variant.
Coding change: c.6786G>A on transcript NM_000426.4 (MANE Select); coding-DNA position 6786, G replaced by A.
Protein change: p.Ser2262=; no amino-acid change (serine 2262 retained).
Molecular consequence: synonymous variant.
Genome position (GRCh38, 1-based): chr6:129,456,413, G>A. VCF-style: chr6-129456413-G-A. GRCh37 (hg19) VCF-style: chr6-129777558-G-A.
Other names: p.Ser2262=; c.6786G>A, p.Ser2262= (NM_001079823.2).
Identifiers: ClinVar variation 92979 (VCV000092979.18), dbSNP rs398123382, ClinGen allele CA220789.